The following is an entry in ClinVar:

NM_001378328.1(CELSR1):c.6656G>A (p.Arg2219His)

Genes: CELSR1 (cadherin EGF LAG seven-pass G-type receptor 1; minus strand), LOC126863169 (BRD4-independent group 4 enhancer GRCh37_chr22:46782038-46783237; plus strand). Cytogenetic location: 22q13.31.
Variant type: single nucleotide variant.
Coding change: c.6656G>A on transcript NM_001378328.1 (MANE Select); coding-DNA position 6656, G replaced by A.
Protein change: p.Arg2219His; replaces arginine 2219 with histidine.
Molecular consequence: missense variant.
Genome position (GRCh38, 1-based): chr22:46,386,485, C>T on the plus strand (G>A on the coding strand, the complement: CELSR1 is on the minus strand). VCF-style: chr22-46386485-C-T. GRCh37 (hg19) VCF-style: chr22-46782382-C-T.
Other names: c.6656G>A, p.Arg2219His (NM_014246.4); short protein forms R2219H.
Identifiers: ClinVar variation 3056956 (VCV003056956.2), dbSNP rs34267201, ClinGen allele CA10293687.
Genomic context (GRCh38, chr22:46,386,485, plus strand): 5'-AAGGGCCGCAGGTACGTCCGCCGCACGTTGCGTGCCACGTTGCTGAAGTAGCCCTCGAGG[C>T]GCCGGAGCAGCTGTGCCGTGCCGCCCTCGCTCCGCTGGATCTGCTCCCACGCCGCCCTGG-3'
Protein context (NP_001365257.1, residues 2209-2229): SEGGTAQLLR[Arg2219His]LEGYFSNVAR

ClinVar aggregate classification (germline): Benign (0 of 4 stars; one submission).

Conditions:
CELSR1-related disorder. Also called: CELSR1-related condition.

Allele frequency attached by ClinVar (database versions not stated): 1000 Genomes Project 0.02316; 1000 Genomes Project 30x 0.02483; TOPMed 0.04402; gnomAD 0.04450; ESP Exome Variant Server 0.04627; gnomAD exomes 0.06464; ExAC 0.06745.
gnomAD v4.1: 99,836 of 1,599,666 alleles (6.2%); highest among the groups gnomAD compares: Non-Finnish European, 7.4%; 3,588 homozygotes.

Submission:

PreventionGenetics, part of Exact Sciences
Classification: Benign for CELSR1-related condition. Last evaluated: 2019-08-02. Review status: no assertion criteria provided. Collection method: clinical testing. Allele origin: germline.
Comment: This variant is classified as benign based on ACMG/AMP sequence variant interpretation guidelines (Richards et al. 2015 PMID: 25741868, with internal and published modifications).